The following is an entry in ClinVar:

NM_000814.5(GABRB3):c.-664G>A

Gene: GABRB3 (gamma-aminobutyric acid type A receptor subunit beta3; minus strand). Cytogenetic location: 15q12.
Variant type: single nucleotide variant.
Coding change: c.-664G>A on transcript NM_000814.5; 664 bases upstream of the start codon, G replaced by A.
Molecular consequence: intron variant (on NM_021912.5).
Genome position (GRCh38, 1-based): chr15:26,773,626, C>T on the plus strand (G>A on the coding strand, the complement: GABRB3 is on the minus strand). VCF-style: chr15-26773626-C-T. GRCh37 (hg19) VCF-style: chr15-27018773-C-T.
Other names: c.80+19G>A (NM_021912.5).
Identifiers: ClinVar variation 509325 (VCV000509325.3), dbSNP rs536031008, ClinGen allele CA7437603.

ClinVar aggregate classification (germline): Likely benign (1 of 4 stars; one submission).

Allele frequency attached by ClinVar (database versions not stated): gnomAD 0.00029; TOPMed 0.00047; 1000 Genomes Project 30x 0.00109.
gnomAD v4.1: 145 of 1,548,600 alleles (0.0094%); highest among the groups gnomAD compares: African/African-American, 0.17%; no homozygotes.

Submission:

GeneDx
Classification: Likely benign. Last evaluated: 2017-05-01. Review status: criteria provided, single submitter. Criteria: GeneDx Variant Classification (06012015). Collection method: clinical testing. Allele origin: germline. Affected: yes.
Comment: This variant is considered likely benign or benign based on one or more of the following criteria: it is a conservative change, it occurs at a poorly conserved position in the protein, it is predicted to be benign by multiple in silico algorithms, and/or has population frequency not consistent with disease.